The following is an entry in ClinVar:

ClinVar aggregate classification (germline): Conflicting classifications of pathogenicity. Review status: criteria provided, conflicting classifications (1 of 4 stars). 2 submissions from 2 submitters: Uncertain significance (1); Likely benign (1). Last evaluated 2026-01-29.

Conditions:
Hereditary cancer-predisposing syndrome. Also called: Tumor predisposition; Hereditary Cancer Syndrome; Hereditary neoplastic syndrome; Neoplastic Syndromes, Hereditary. Identifiers: Orphanet 140162, MedGen C0027672, MeSH D009386, MONDO:0015356.
Ataxia-telangiectasia syndrome (AT). Also called: Ataxia telangiectasia (A-T); LOUIS-BAR SYNDROME; Cerebello-oculocutaneous telangiectasia; Immunodeficiency with ataxia telangiectasia; ATAXIA-TELANGIECTASIA, COMPLEMENTATION GROUP A; ATAXIA-TELANGIECTASIA, FRESNO VARIANT. Identifiers: Orphanet 100, MedGen C0004135, MONDO:0008840, OMIM 208900.

Allele frequency attached by ClinVar (database versions not stated): gnomAD exomes below 0.00001; TOPMed 0.00001.
gnomAD v4.1: 1 of 1,613,414 alleles (0.000062%); highest among the groups gnomAD compares: Non-Finnish European, 0.000085%; no homozygotes.

Submissions (2):

Labcorp Genetics (formerly Invitae), Labcorp
Classification: Uncertain significance for Ataxia-telangiectasia syndrome. Last evaluated: 2026-01-29. Review status: criteria provided, single submitter. Criteria: Invitae Variant Classification Sherloc (09022015). Collection method: clinical testing. Allele origin: germline.
Comment: This sequence change replaces alanine, which is neutral and non-polar, with threonine, which is neutral and polar, at codon 78 of the ATM protein (p.Ala78Thr). This variant is not present in population databases (gnomAD no frequency). This variant has not been reported in the literature in individuals affected with ATM-related conditions. ClinVar contains an entry for this variant (Variation ID: 236687). Invitae Evidence Modeling of protein sequence and biophysical properties (such as structural, functional, and spatial information, amino acid conservation, physicochemical variation, residue mobility, and thermodynamic stability) indicates that this missense variant is not expected to disrupt ATM protein function with a negative predictive value of 95%. In summary, the available evidence is currently insufficient to determine the role of this variant in disease. Therefore, it has been classified as a Variant of Uncertain Significance.

Ambry Genetics
Classification: Likely benign for Hereditary cancer-predisposing syndrome. Last evaluated: 2025-10-10. Review status: criteria provided, single submitter. Criteria: Ambry Variant Classification Scheme 2023. Collection method: clinical testing. Allele origin: germline.

Literature cited by the submitters: PubMed 30287823 (cited by Ambry Genetics); PubMed 40580951 (cited by Ambry Genetics).

NM_000051.4(ATM):c.232G>A (p.Ala78Thr)

Gene: ATM (ATM serine/threonine kinase; plus strand). Cytogenetic location: 11q22.3.
Variant type: single nucleotide variant.
Coding change: c.232G>A on transcript NM_000051.4 (MANE Select); coding-DNA position 232, G replaced by A.
Protein change: p.Ala78Thr; replaces alanine 78 with threonine.
Molecular consequence: missense variant.
Genome position (GRCh38, 1-based): chr11:108,229,224, G>A. VCF-style: chr11-108229224-G-A. GRCh37 (hg19) VCF-style: chr11-108099951-G-A.
Other names: c.232G>A, p.Ala78Thr (NM_001351834.2, NM_001351835.2, NM_001351836.2); short protein forms A78T.
Identifiers: ClinVar variation 236687 (VCV000236687.14), dbSNP rs878853493, ClinGen allele CA10582782.